The following is an entry in ClinVar:

ClinVar aggregate classification (germline): Likely pathogenic. Review status: criteria provided, multiple submitters, no conflicts (2 of 4 stars). 3 submissions from 3 submitters: Likely pathogenic (3). Last evaluated 2023-12-15.

Conditions:
Paraganglioma. Also called: Carotid body tumor. Identifiers: MedGen C0030421, MONDO:0000448, HP:0002668.
Pheochromocytoma/paraganglioma syndrome 4. Also called: PARAGANGLIOMA, FAMILIAL MALIGNANT; PARAGANGLIOMAS, HEREDITARY EXTRAADRENAL; PHEOCHROMOCYTOMA, FAMILIAL EXTRAADRENAL; Paragangliomas 4; CAROTID BODY TUMORS AND MULTIPLE EXTRAADRENAL PHEOCHROMOCYTOMAS; SDHB-Related Hereditary Paraganglioma-Pheochromocytoma Syndrome (Paragangliomas 4). Identifiers: Orphanet 29072, MedGen C1861848, MONDO:0007273, OMIM 115310.
Gastrointestinal stromal tumor. Also called: Gastrointestinal stroma tumor; Gastrointestinal stromal tumor, somatic. Identifiers: Orphanet 44890, MedGen C0238198, MeSH D046152, MONDO:0011719, OMIM 606764, HP:0100723.
Pheochromocytoma. Also called: MAX-Related Hereditary Paraganglioma-Pheochromocytoma Syndrome. Identifiers: Orphanet 29072, MedGen C0031511, MONDO:0008233, OMIM 171300, HP:0002666.
Hereditary cancer-predisposing syndrome. Also called: Neoplastic Syndromes, Hereditary; Hereditary Cancer Syndrome; Hereditary neoplastic syndrome; Tumor predisposition. Identifiers: Orphanet 140162, MedGen C0027672, MeSH D009386, MONDO:0015356.

Allele frequency attached by ClinVar (database versions not stated): TOPMed below 0.00001; gnomAD 0.00001.

Submissions (3):

Labcorp Genetics (formerly Invitae), Labcorp
Classification: Likely pathogenic for Gastrointestinal stromal tumor; Pheochromocytoma/paraganglioma syndrome 4; Pheochromocytoma. Last evaluated: 2023-12-15. Review status: criteria provided, single submitter. Criteria: Invitae Variant Classification Sherloc (09022015). Collection method: clinical testing. Allele origin: germline.
Comment: This sequence change replaces asparagine, which is neutral and polar, with lysine, which is basic and polar, at codon 248 of the SDHB protein (p.Asn248Lys). This variant is not present in population databases (gnomAD no frequency). This missense change has been observed in individuals with paraganglioma (PMID: 18551016, 34906457; Invitae). ClinVar contains an entry for this variant (Variation ID: 428929). Advanced modeling of protein sequence and biophysical properties (such as structural, functional, and spatial information, amino acid conservation, physicochemical variation, residue mobility, and thermodynamic stability) performed at Invitae indicates that this missense variant is expected to disrupt SDHB protein function with a positive predictive value of 80%. In summary, the currently available evidence indicates that the variant is pathogenic, but additional data are needed to prove that conclusively. Therefore, this variant has been classified as Likely Pathogenic.

Cancer Variant Interpretation Group UK, Institute of Cancer Research, London
Classification: Likely pathogenic for Paraganglioma. Last evaluated: 2022-03-11. Review status: criteria provided, single submitter. Criteria: ACMG Guidelines, 2015. Collection method: clinical testing. Allele origin: germline. Affected: yes. Observed: 1 variant allele.
Comment: Data included in classification: Absent from gnomAD (PM2_mod) Phenotype data: UK family #1: Observed in proband with bilateral head and neck paragangliomas (PP4_mod) Revel score >0.7 (0.866) (PP3_sup) Within “hot region” for SDHB as defined in Garrett et al. 2021 (DOI 10.1016/j.gim.2021.08.004). (amino acids 177-260) (PM1_mod) Data not included in classification: Observed in Garrett et al. 2021 (DOI 10.1016/j.gim.2021.08.004). 2005 Jul 1;121(7):1043-57.PMID:15989954

Ambry Genetics
Classification: Likely pathogenic for Hereditary cancer-predisposing syndrome. Last evaluated: 2021-12-31. Review status: criteria provided, single submitter. Criteria: Ambry Variant Classification Scheme 2023. Collection method: clinical testing. Allele origin: germline.
Comment: The p.N248K variant (also known as c.744C>G), located in coding exon 7 of the SDHB gene, results from a C to G substitution at nucleotide position 744. The asparagine at codon 248 is replaced by lysine, an amino acid with similar properties. This alteration has been previously described in multiple individuals diagnosed with paragangliomas and/or pheochromocytomas (Persu A et al. J. Hypertens., 2008 Jul;26:1395-401; Fishbein L et al. Ann Surg Oncol, 2013 May;20:1444-50; Papathomas TG et al. Mod. Pathol., 2015 Jun;28:807-21). Based on internal structural assessment, this variant introduces a positive charge near the quinone-reducing active site and affects the final electron transfer reaction (Sun F et al. Cell, 2005 Jul;121:1043-57; Liu J et al. Chem. Rev., 2014 Apr;114:4366-469). This variant was not reported in population-based cohorts in the Genome Aggregation Database (gnomAD). This amino acid position is highly conserved in available vertebrate species. In addition, the in silico prediction for this alteration is inconclusive. Based on the majority of available evidence to date, this variant is likely to be pathogenic.

Literature cited by the submitters: PubMed 18551016 (cited by Labcorp Genetics (formerly Invitae), Labcorp and Ambry Genetics); PubMed 34906457 (cited by Labcorp Genetics (formerly Invitae), Labcorp and Cancer Variant Interpretation Group UK, Institute of Cancer Research, London); PubMed 15989954 (cited by Ambry Genetics); PubMed 23512077 (cited by Ambry Genetics); PubMed 24758379 (cited by Ambry Genetics); PubMed 25720320 (cited by Ambry Genetics).

NM_003000.3(SDHB):c.744C>G (p.Asn248Lys)

Gene: SDHB (succinate dehydrogenase complex iron sulfur subunit B; minus strand). Cytogenetic location: 1p36.13.
Variant type: single nucleotide variant.
Coding change: c.744C>G on transcript NM_003000.3 (MANE Select); coding-DNA position 744, C replaced by G.
Protein change: p.Asn248Lys; replaces asparagine 248 with lysine.
Molecular consequence: missense variant.
Genome position (GRCh38, 1-based): chr1:17,022,629, G>C on the plus strand (C>G on the coding strand, the complement: SDHB is on the minus strand). VCF-style: chr1-17022629-G-C. GRCh37 (hg19) VCF-style: chr1-17349124-G-C.
Other names: short protein forms N248K.
Identifiers: ClinVar variation 428929 (VCV000428929.12), dbSNP rs1131691058, ClinGen allele CA338270053.